The following is an entry in ClinVar:

ClinVar aggregate classification (germline): Uncertain significance (1 of 4 stars; one submission).

Conditions:
Familial thoracic aortic aneurysm and aortic dissection (TAAD). Also called: Thoracic aortic aneurysms and dissections. Identifiers: Orphanet 91387, MedGen C4707243, MONDO:0019625.

Allele frequency attached by ClinVar (database versions not stated): ExAC 0.00001.
gnomAD v4.1: 2 of 1,610,540 alleles (0.00012%); highest among the groups gnomAD compares: African/African-American, 0.0027%; no homozygotes.

Submission:

Ambry Genetics
Classification: Uncertain significance for Familial thoracic aortic aneurysm and aortic dissection. Last evaluated: 2021-06-22. Review status: criteria provided, single submitter. Criteria: Ambry Variant Classification Scheme 2023. Collection method: clinical testing. Allele origin: germline.
Comment: The p.D272E variant (also known as c.816T>A), located in coding exon 5 of the TGFB3 gene, results from a T to A substitution at nucleotide position 816. The aspartic acid at codon 272 is replaced by glutamic acid, an amino acid with highly similar properties. This amino acid position is conserved. In addition, this alteration is predicted to be tolerated by in silico analysis. Since supporting evidence is limited at this time, the clinical significance of this alteration remains unclear.

NM_003239.5(TGFB3):c.816T>A (p.Asp272Glu)

Gene: TGFB3 (transforming growth factor beta 3; minus strand). Cytogenetic location: 14q24.3.
Variant type: single nucleotide variant.
Coding change: c.816T>A on transcript NM_003239.5 (MANE Select); coding-DNA position 816, T replaced by A.
Protein change: p.Asp272Glu; replaces aspartic acid 272 with glutamic acid.
Molecular consequence: missense variant.
Genome position (GRCh38, 1-based): chr14:75,963,426, A>T on the plus strand (T>A on the coding strand, the complement: TGFB3 is on the minus strand). VCF-style: chr14-75963426-A-T. GRCh37 (hg19) VCF-style: chr14-76429769-A-T.
Other names: c.816T>A, p.Asp272Glu (NM_001329938.2, NM_001329939.2); short protein forms D272E.
Identifiers: ClinVar variation 1762280 (VCV001762280.2), dbSNP rs778672048, ClinGen allele CA7280330.